The following is an entry in ClinVar:

ClinVar aggregate classification (germline): Uncertain significance (1 of 4 stars; one submission).

Conditions:
Cutis laxa, autosomal dominant 3 (ADCL3). Identifiers: Orphanet 90348, MedGen C4225268, MONDO:0014706, OMIM 616603.
Autosomal dominant spastic paraplegia type 9. Identifiers: MedGen C1832669, MONDO:0015091.
de Barsy syndrome. Also called: Cutis laxa-corneal clouding-oligophrenia syndrome. Identifiers: Orphanet 2962, MedGen C0268354, MONDO:0017569.

Submission:

Labcorp Genetics (formerly Invitae), Labcorp
Classification: Uncertain significance for Autosomal dominant spastic paraplegia type 9; de Barsy syndrome; Cutis laxa, autosomal dominant 3. Last evaluated: 2025-10-14. Review status: criteria provided, single submitter. Criteria: Invitae Variant Classification Sherloc (09022015). Collection method: clinical testing. Allele origin: germline.
Comment: This sequence change replaces alanine, which is neutral and non-polar, with serine, which is neutral and polar, at codon 570 of the ALDH18A1 protein (p.Ala570Ser). This variant is not present in population databases (gnomAD no frequency). This variant has not been reported in the literature in individuals affected with ALDH18A1-related conditions. Invitae Evidence Modeling of protein sequence and biophysical properties (such as structural, functional, and spatial information, amino acid conservation, physicochemical variation, residue mobility, and thermodynamic stability) indicates that this missense variant is not expected to disrupt ALDH18A1 protein function with a negative predictive value of 95%. In summary, the available evidence is currently insufficient to determine the role of this variant in disease. Therefore, it has been classified as a Variant of Uncertain Significance.

NM_002860.4(ALDH18A1):c.1708G>T (p.Ala570Ser)

Gene: ALDH18A1 (aldehyde dehydrogenase 18 family member A1; minus strand). Cytogenetic location: 10q24.1.
Variant type: single nucleotide variant.
Coding change: c.1708G>T on transcript NM_002860.4 (MANE Select); coding-DNA position 1708, G replaced by T.
Protein change: p.Ala570Ser; replaces alanine 570 with serine.
Molecular consequence: missense variant.
Genome position (GRCh38, 1-based): chr10:95,614,059, C>A on the plus strand (G>T on the coding strand, the complement: ALDH18A1 is on the minus strand). VCF-style: chr10-95614059-C-A. GRCh37 (hg19) VCF-style: chr10-97373816-C-A.
Other names: c.1702G>T, p.Ala568Ser (NM_001017423.2, NM_001323415.2); c.1375G>T, p.Ala459Ser (NM_001323412.2, NM_001323416.2); c.1708G>T, p.Ala570Ser (NM_001323413.2, NM_001323414.2); c.1603G>T, p.Ala535Ser (NM_001323417.2); c.1369G>T, p.Ala457Ser (NM_001323418.2); c.1072G>T, p.Ala358Ser (NM_001323419.2); short protein forms A457S, A568S, A570S, A459S, A535S, A358S.
Identifiers: ClinVar variation 4789006 (VCV004789006.1).